The following is an entry in ClinVar:

ClinVar aggregate classification (germline): Benign. Review status: criteria provided, multiple submitters, no conflicts (2 of 4 stars). 2 submissions from 2 submitters: Benign (2). Last evaluated 2018-06-16.

Allele frequency attached by ClinVar (database versions not stated): gnomAD 0.24262 and 0.24842; TOPMed 0.24470; 1000 Genomes Project 30x 0.27389; 1000 Genomes Project 0.27436; gnomAD exomes 0.28726.
gnomAD v4.1: 343,306 of 1,216,298 alleles (28%); highest among the groups gnomAD compares: East Asian, 40%; 50,018 homozygotes.

Submissions (2):

GeneDx
Classification: Benign. Last evaluated: 2018-06-16. Review status: criteria provided, single submitter. Criteria: GeneDx Variant Classification (06012015). Collection method: clinical testing. Allele origin: germline. Affected: yes.
Comment: This variant is considered likely benign or benign based on one or more of the following criteria: it is a conservative change, it occurs at a poorly conserved position in the protein, it is predicted to be benign by multiple in silico algorithms, and/or has population frequency not consistent with disease.

Breakthrough Genomics
Classification: Benign. Review status: criteria provided, single submitter. Criteria: ACMG Guidelines, 2015. Collection method: not provided. Allele origin: germline. Inheritance: Autosomal dominant inheritance. Affected: yes.

NM_001035.3(RYR2):c.6688+93C>A

Gene: RYR2 (ryanodine receptor 2; plus strand). Cytogenetic location: 1q43.
Variant type: single nucleotide variant.
Coding change: c.6688+93C>A on transcript NM_001035.3 (MANE Select); 93 bases into the intron after coding-DNA position 6688, C replaced by A.
Molecular consequence: intron variant.
Genome position (GRCh38, 1-based): chr1:237,633,803, C>A. VCF-style: chr1-237633803-C-A. GRCh37 (hg19) VCF-style: chr1-237797103-C-A.
Identifiers: ClinVar variation 671206 (VCV000671206.2), dbSNP rs1967580, ClinGen allele CA10861608.